The following is an entry in ClinVar:

NM_001122769.3(LCA5):c.334A>G (p.Ile112Val)

Gene: LCA5 (lebercilin LCA5; minus strand). Cytogenetic location: 6q14.1.
Variant type: single nucleotide variant.
Coding change: c.334A>G on transcript NM_001122769.3 (MANE Select); coding-DNA position 334, A replaced by G.
Protein change: p.Ile112Val; replaces isoleucine 112 with valine.
Molecular consequence: missense variant.
Genome position (GRCh38, 1-based): chr6:79,513,598, T>C on the plus strand (A>G on the coding strand, the complement: LCA5 is on the minus strand). VCF-style: chr6-79513598-T-C. GRCh37 (hg19) VCF-style: chr6-80223315-T-C.
Other names: c.334A>G, p.Ile112Val (NM_181714.4); short protein forms I112V.
Identifiers: ClinVar variation 2196165 (VCV002196165.2), dbSNP rs576105476, ClinGen allele CA3901137.

ClinVar aggregate classification (germline): Uncertain significance. Review status: criteria provided, multiple submitters, no conflicts (2 of 4 stars). 2 submissions from 2 submitters: Uncertain significance (2). Last evaluated 2023-10-04.

Allele frequency attached by ClinVar (database versions not stated): TOPMed 0.00001; gnomAD exomes 0.00003; gnomAD 0.00004; ExAC 0.00010; 1000 Genomes Project 0.00060; 1000 Genomes Project 30x 0.00078.
gnomAD v4.1: 57 of 1,613,972 alleles (0.0035%); highest among the groups gnomAD compares: South Asian, 0.059%; no homozygotes.

Submissions (2):

Blueprint Genetics
Classification: Uncertain significance. Last evaluated: 2023-10-04. Review status: criteria provided, single submitter. Criteria: ACMG Guidelines, 2015. Collection method: clinical testing. Allele origin: germline.

Labcorp Genetics (formerly Invitae), Labcorp
Classification: Uncertain significance. Last evaluated: 2022-10-17. Review status: criteria provided, single submitter. Criteria: Invitae Variant Classification Sherloc (09022015). Collection method: clinical testing. Allele origin: germline.
Comment: This sequence change replaces isoleucine, which is neutral and non-polar, with valine, which is neutral and non-polar, at codon 112 of the LCA5 protein (p.Ile112Val). This variant is present in population databases (rs576105476, gnomAD 0.06%). This variant has not been reported in the literature in individuals affected with LCA5-related conditions. Advanced modeling of protein sequence and biophysical properties (such as structural, functional, and spatial information, amino acid conservation, physicochemical variation, residue mobility, and thermodynamic stability) performed at Invitae indicates that this missense variant is expected to disrupt LCA5 protein function. In summary, the available evidence is currently insufficient to determine the role of this variant in disease. Therefore, it has been classified as a Variant of Uncertain Significance.